The following is an entry in ClinVar:

ClinVar aggregate classification (germline): Pathogenic (1 of 4 stars; one submission).

Conditions:
Asphyxiating thoracic dystrophy 3. Also called: SHORT-RIB THORACIC DYSPLASIA 3 WITH OR WITHOUT POLYDACTYLY; POLYDACTYLY WITH NEONATAL CHONDRODYSTROPHY, TYPE I; SHORT-RIB THORACIC DYSPLASIA 3/6 WITH POLYDACTYLY, DIGENIC; Short rib polydactyly syndrome 2B; Saldino-Noonan Syndrome. Identifiers: Orphanet 474, Orphanet 93269, Orphanet 93270, Orphanet 93271, MedGen C0036069, MONDO:0013127, OMIM 613091.

Submission:

Myriad Genetics, Inc.
Classification: Pathogenic for Asphyxiating thoracic dystrophy 3. Last evaluated: 2026-04-14. Review status: criteria provided, single submitter. Criteria: Myriad Autosomal Dominant, Autosomal Recessive and X-Linked Classification Criteria (2023). Collection method: clinical testing. Allele origin: unknown.
Comment: NM_001377.2(DYNC2H1):c.2678_2679delGGinsA(G893Efs*4) is expected to be pathogenic in the context of DYNC2H1-related disorders. This variant is predicted to lead to an abnormal or absent protein product due to the creation of a premature termination codon in DYNC2H1, a gene where loss-of-function variants are known to be pathogenic. Please note: this variant was assessed in the context of healthy population screening.

NM_001377.3(DYNC2H1):c.2678_2679delinsA (p.Gly893fs)

Gene: DYNC2H1 (dynein cytoplasmic 2 heavy chain 1; plus strand). Cytogenetic location: 11q22.3.
Variant type: Indel.
Coding change: c.2678_2679delinsA on transcript NM_001377.3 (MANE Select); coding-DNA positions 2678 to 2679, GG replaced by A.
Protein change: p.Gly893fs; shifts the reading frame from glycine 893.
Molecular consequence: frameshift variant.
Genome position (GRCh38, 1-based): chr11:103,143,371-103,143,372, GG replaced by A. VCF-style: chr11-103143371-GG-A. GRCh37 (hg19) VCF-style: chr11-103014100-GG-A.
Other names: c.2678_2679delinsA, p.Gly893fs (NM_001080463.2); short protein forms G893fs.
Identifiers: ClinVar variation 5015799 (VCV005015799.1).
Genomic context (GRCh38, chr11:103,143,371, plus strand): 5'-AAAAGCATCTTTTTACTGTACATGATTGGGAGAAAAATTTTAAAGCATTAAAAATAAAGG[GG>A]AAAGAAGTAGAACGACTTCCAAGGTATTGGAGGTTAATGTAGTACTTACGTACCATAATA-3'